The following is an entry in ClinVar:

NM_139276.3(STAT3):c.1366-9C>T

Gene: STAT3 (signal transducer and activator of transcription 3; minus strand). Cytogenetic location: 17q21.2.
Variant type: single nucleotide variant.
Coding change: c.1366-9C>T on transcript NM_139276.3 (MANE Select); 9 bases into the intron before coding-DNA position 1366, C replaced by T.
Molecular consequence: intron variant.
Genome position (GRCh38, 1-based): chr17:42,325,070, G>A on the plus strand (C>T on the coding strand, the complement: STAT3 is on the minus strand). VCF-style: chr17-42325070-G-A. GRCh37 (hg19) VCF-style: chr17-40477088-G-A.
Other names: c.1366-9C>T (NM_001369519.1, NM_003150.4, NM_001369517.1 and 7 more transcripts).
Identifiers: ClinVar variation 227963 (VCV000227963.9), dbSNP rs375054973, ClinGen allele CA8575332.
Genomic context (GRCh38, chr17:42,325,070, plus strand): 5'-CATTTGGCATCTGACAGATGTTGGAGATCACCACAACTGGCAAGGAGTGGGTCTGCGGAG[G>A]GAGTGGGGACTGAGCTGGGGAGGCAGAGGGGCTCTCACAGCCTTGGAAATCTCTTCACCC-3'

ClinVar aggregate classification (germline): Likely benign. Review status: criteria provided, multiple submitters, no conflicts (2 of 4 stars). 3 submissions from 3 submitters: Likely benign (3). Last evaluated 2023-06-10.

Conditions:
Hyper-IgE recurrent infection syndrome 1, autosomal dominant. Also called: HYPER-IgE SYNDROME 1, AUTOSOMAL DOMINANT, WITH RECURRENT INFECTIONS; Hyper-IgE recurrent infection syndrome 1; STAT3 Hyper IgE Syndrome; Job's Syndrome; JOB SYNDROME. Identifiers: Orphanet 2314, MedGen C2936739, MONDO:0007818, OMIM 147060.
STAT3 gain of function. Identifiers: MedGen C4288261.

Allele frequency attached by ClinVar (database versions not stated): TOPMed 0.00001; gnomAD 0.00003.
gnomAD v4.1: 6 of 1,613,602 alleles (0.00037%); highest among the groups gnomAD compares: African/African-American, 0.008%; no homozygotes.

Submissions (3):

Labcorp Genetics (formerly Invitae), Labcorp
Classification: Likely benign for STAT3 gain of function; Hyper-IgE recurrent infection syndrome 1, autosomal dominant. Last evaluated: 2023-06-10. Review status: criteria provided, single submitter. Criteria: Invitae Variant Classification Sherloc (09022015). Collection method: clinical testing. Allele origin: germline.

Blueprint Genetics
Classification: Likely benign. Last evaluated: 2022-08-09. Review status: criteria provided, single submitter. Criteria: ACMG Guidelines, 2015. Collection method: clinical testing. Allele origin: germline.

Laboratory for Molecular Medicine, Mass General Brigham Personalized Medicine
Classification: Likely benign. Last evaluated: 2016-03-16. Review status: criteria provided, single submitter. Criteria: LMM Criteria. Collection method: clinical testing. Allele origin: germline. Observed: 1 variant allele.
Comment: c.1366-9C>T in intron 15 of STAT3: This variant is not expected to have clinical significance because a C>T change at this position does not diverge from the sp lice consensus sequence and is therefore unlikely to impact splicing. It has bee n identified in 1/10320 African chromosomes by the Exome Aggregation Consortium (ExAC; dbSNP rs375054973).